The following is an entry in ClinVar:

ClinVar aggregate classification (germline): Uncertain significance. Review status: criteria provided, multiple submitters, no conflicts (2 of 4 stars). 4 submissions from 4 submitters: Uncertain significance (3). 1 of the submissions does not count toward it. Last evaluated 2023-02-08.

Conditions:
Autosomal recessive limb-girdle muscular dystrophy type 2D (LGMDR3). Also called: ADHALINOPATHY, PRIMARY; DUCHENNE-LIKE AUTOSOMAL RECESSIVE MUSCULAR DYSTROPHY, TYPE 2; MUSCULAR DYSTROPHY, LIMB-GIRDLE, AUTOSOMAL RECESSIVE 3. Identifiers: Orphanet 62, MedGen C2936332, MONDO:0011968, OMIM 608099. Disease mechanism: Affects gamma-sarcoglycan and also disrupts the integrity of the entire sarcoglycan complex..

Allele frequency attached by ClinVar (database versions not stated): gnomAD below 0.00001 and 0.00001; gnomAD exomes 0.00003.

Submissions (4):

Genome-Nilou Lab
Classification: Uncertain significance for Autosomal recessive limb-girdle muscular dystrophy type 2D. Last evaluated: 2023-02-08. Review status: criteria provided, single submitter. Criteria: ACMG Guidelines, 2015. Collection method: clinical testing. Allele origin: germline.

Labcorp Genetics (formerly Invitae), Labcorp
Classification: Uncertain significance for Autosomal recessive limb-girdle muscular dystrophy type 2D. Last evaluated: 2021-08-20. Review status: criteria provided, single submitter. Criteria: Invitae Variant Classification Sherloc (09022015). Collection method: clinical testing. Allele origin: germline.
Comment: This sequence change replaces alanine with threonine at codon 57 of the SGCA protein (p.Ala57Thr). The alanine residue is weakly conserved and there is a small physicochemical difference between alanine and threonine. This variant is present in population databases (rs769778891, ExAC 0.006%). This variant has not been reported in the literature in individuals affected with SGCA-related conditions. ClinVar contains an entry for this variant (Variation ID: 618363). Algorithms developed to predict the effect of missense changes on protein structure and function output the following: SIFT: "Tolerated"; PolyPhen-2: "Benign"; Align-GVGD: "Class C0". The threonine amino acid residue is found in multiple mammalian species, which suggests that this missense change does not adversely affect protein function. In summary, the available evidence is currently insufficient to determine the role of this variant in disease. Therefore, it has been classified as a Variant of Uncertain Significance.

ARUP Laboratories, Molecular Genetics and Genomics, ARUP Laboratories
Classification: Uncertain significance. Last evaluated: 2017-11-21. Review status: criteria provided, single submitter. Criteria: ARUP Molecular Germline Variant Investigation Process. Collection method: clinical testing. Allele origin: germline.
Comment: The p.Ala57Thr variant (rs769778891) has not been reported in the medical literature, gene specific variation databases, nor has it been previously identified by our laboratory. This variant is listed in the Genome Aggregation Database (gnomAD) identified on 2 out of 245,104 chromosomes; however of a poor quality. The alanine at position 57 is weakly conserved considering 12 species (Alamut v2.10) and computational analyses of the p.Ala57Thr variant on protein structure and function indicate a neutral effect (SIFT: tolerated, MutationTaster: polymorphism, PolyPhen-2: benign). Altogether, there is not enough evidence to classify the p.Ala57Thr variant with certainty.

Natera, Inc.
Classification: Uncertain significance for Limb-girdle muscular dystrophy type 2D. Last evaluated: 2020-01-17. Review status: no assertion criteria provided. Collection method: clinical testing. Allele origin: germline. Not counted in ClinVar's aggregate classification.

NM_000023.4(SGCA):c.169G>A (p.Ala57Thr)

Gene: SGCA (sarcoglycan alpha; plus strand). Cytogenetic location: 17q21.33.
Variant type: single nucleotide variant.
Coding change: c.169G>A on transcript NM_000023.4 (MANE Select); coding-DNA position 169, G replaced by A.
Protein change: p.Ala57Thr; replaces alanine 57 with threonine.
Molecular consequence: missense variant. On other transcripts: non-coding transcript variant (1).
Genome position (GRCh38, 1-based): chr17:50,167,593, G>A. VCF-style: chr17-50167593-G-A. GRCh37 (hg19) VCF-style: chr17-48244954-G-A.
Other names: c.169G>A, p.Ala57Thr (NM_001135697.3); short protein forms A57T.
Identifiers: ClinVar variation 618363 (VCV000618363.13), dbSNP rs769778891, ClinGen allele CA8643727.
Genomic context (GRCh38, chr17:50,167,593, plus strand): 5'-CCGCAGGGCTCCTGCTGTGACTCGAATCCCCTCTCCTCGCTTCCACCAGCTGTCCCACCC[G>A]CTGTCCACATCACCTACCACGCCCACCTCCAGGGACACCCAGACCTGCCCCGGTGGCTCC-3'
Protein context (NP_000014.1, residues 47-67): SLPEHVAVPP[Ala57Thr]VHITYHAHLQ